The following is an entry in ClinVar:

NM_003954.5(MAP3K14):c.1647C>T (p.Ser549=)

Gene: MAP3K14 (mitogen-activated protein kinase kinase kinase 14; minus strand). Cytogenetic location: 17q21.31.
Variant type: single nucleotide variant.
Coding change: c.1647C>T on transcript NM_003954.5 (MANE Select); coding-DNA position 1647, C replaced by T.
Protein change: p.Ser549=; no amino-acid change (serine 549 retained).
Molecular consequence: synonymous variant.
Genome position (GRCh38, 1-based): chr17:45,273,513, G>A on the plus strand (C>T on the coding strand, the complement: MAP3K14 is on the minus strand). VCF-style: chr17-45273513-G-A. GRCh37 (hg19) VCF-style: chr17-43350880-G-A.
Identifiers: ClinVar variation 3061708 (VCV003061708.2), dbSNP rs2044155646, ClinGen allele CA500359315.
Genomic context (GRCh38, chr17:45,273,513, plus strand): 5'-TTTGGCGAATGAATGCATTGGGGGGCACGGCAGTTGGTGGGGGGCCTTACCTGTGAGCAA[G>A]GACTTTCCCAGGCCATCAGGTTGAAGACACACAGCATGGCCAAAGTCACAGAGGGCTGCG-3'
Protein context (NP_003945.2, residues 539-559): VCLQPDGLGK[Ser549=]LLTGDYIPGT

ClinVar aggregate classification (germline): Likely benign (0 of 4 stars; one submission).

Conditions:
MAP3K14-related disorder. Also called: MAP3K14-related condition.

Submission:

PreventionGenetics, part of Exact Sciences
Classification: Likely benign for MAP3K14-related condition. Last evaluated: 2023-12-20. Review status: no assertion criteria provided. Collection method: clinical testing. Allele origin: germline.
Comment: This variant is classified as likely benign based on ACMG/AMP sequence variant interpretation guidelines (Richards et al. 2015 PMID: 25741868, with internal and published modifications).